The following is an entry in ClinVar:

ClinVar aggregate classification (germline): Pathogenic. Review status: criteria provided, multiple submitters, no conflicts (2 of 4 stars). 6 submissions from 6 submitters: Pathogenic (6). Last evaluated 2025-09-07.

Conditions:
BRCA2-related cancer predisposition. Identifiers: MedGen CN377758, MONDO:0700269.
Hereditary breast ovarian cancer syndrome. Also called: Hereditary breast and ovarian cancer syndrome; Hereditary breast and ovarian cancer; Hereditary breast and/or ovarian cancer syndrome; Breast and ovarian cancer; BRCA1- and BRCA2-Associated Hereditary Breast and Ovarian Cancer; Hereditary breast and ovarian cancer syndrome (HBOC). Identifiers: Orphanet 145, MedGen C0677776, MeSH D061325, MONDO:0003582. Disease mechanism: loss of function.
Hereditary cancer-predisposing syndrome. Also called: Tumor predisposition; Hereditary Cancer Syndrome; Neoplastic Syndromes, Hereditary; Hereditary neoplastic syndrome. Identifiers: Orphanet 140162, MedGen C0027672, MeSH D009386, MONDO:0015356.
Breast-ovarian cancer, familial, susceptibility to, 2 (BROVCA2). Also called: BRCA2 Hereditary Breast and Ovarian Cancer. Identifiers: Orphanet 145, MedGen C2675520, MONDO:0012933, OMIM 612555. Disease mechanism: loss of function.

Submissions (6):

Labcorp Genetics (formerly Invitae), Labcorp
Classification: Pathogenic for Hereditary breast ovarian cancer syndrome. Last evaluated: 2025-09-07. Review status: criteria provided, single submitter. Criteria: Invitae Variant Classification Sherloc (09022015). Collection method: clinical testing. Allele origin: germline.
Comment: This sequence change creates a premature translational stop signal (p.Leu700*) in the BRCA2 gene. It is expected to result in an absent or disrupted protein product. Loss-of-function variants in BRCA2 are known to be pathogenic (PMID: 20104584). This variant is not present in population databases (gnomAD no frequency). This premature translational stop signal has been observed in individual(s) with breast cancer (PMID: 32427313). ClinVar contains an entry for this variant (Variation ID: 449669). For these reasons, this variant has been classified as Pathogenic.

GeneDx
Classification: Pathogenic. Last evaluated: 2025-05-13. Review status: criteria provided, single submitter. Criteria: GeneDx Variant Classification Process June 2021. Collection method: clinical testing. Allele origin: germline. Affected: yes.
Comment: Nonsense variant predicted to result in protein truncation or nonsense mediated decay in a gene for which loss of function is a known mechanism of disease; Observed in individuals with a personal or family history consistent with pathogenic variants in this gene (PMID: 32427313); Not observed at significant frequency in large population cohorts (gnomAD); Truncating variants in this gene are considered pathogenic by a well-established clinical consortium and/or database; Also known as 2327T>A; This variant is associated with the following publications: (PMID: 20104584, 32427313)

Department of Clinical Genetics, Copenhagen University Hospital, Rigshospitalet
Classification: Pathogenic for Breast-ovarian cancer, familial, susceptibility to, 2. Last evaluated: 2024-05-27. Review status: criteria provided, single submitter. Criteria: ACMG Guidelines, 2015. Collection method: clinical testing. Allele origin: germline. Affected: yes.
Comment: PVS1; PM2_supporting; PM5_PTC_Strong

Quest Diagnostics Nichols Institute San Juan Capistrano
Classification: Pathogenic. Last evaluated: 2023-06-07. Review status: criteria provided, single submitter. Criteria: Quest Diagnostics criteria. Collection method: clinical testing. Allele origin: unknown.
Comment: This variant causes the premature termination of BRCA2 protein synthesis. In the published literature, this variant has been reported in an individual with breast cancer (PMID: 32427313 (2020)). This variant has not been reported in large, multi-ethnic general populations (Genome Aggregation Database). Based on the available information, this variant is classified as pathogenic.

Department of Pathology and Laboratory Medicine, Sinai Health System
Classification: Pathogenic for BRCA2-related cancer predisposition. Last evaluated: 2022-04-06. Review status: criteria provided, single submitter. Criteria: ACMG Guidelines, 2015. Collection method: clinical testing. Allele origin: germline. Affected: no.

Color Diagnostics, LLC DBA Color Health
Classification: Pathogenic for Hereditary cancer-predisposing syndrome. Last evaluated: 2020-01-15. Review status: criteria provided, single submitter. Criteria: ACMG Guidelines, 2015. Collection method: clinical testing. Allele origin: germline.
Comment: This variant changes 1 nucleotide in exon 11 of the BRCA2 gene, creating a premature translation stop signal. This variant is expected to result in an absent or non-functional protein product. This variant has not been identified in the general population by the Genome Aggregation Database (gnomAD). Loss of BRCA2 function is a known mechanism of disease. Based on the available evidence, this variant is classified as Pathogenic.

Literature cited by the submitters: PubMed 20104584 (cited by Labcorp Genetics (formerly Invitae), Labcorp); PubMed 32427313 (cited by Labcorp Genetics (formerly Invitae), Labcorp and Quest Diagnostics Nichols Institute San Juan Capistrano).

NM_000059.4(BRCA2):c.2099T>A (p.Leu700Ter)

Gene: BRCA2 (BRCA2 DNA repair associated; plus strand). Cytogenetic location: 13q13.1.
Variant type: single nucleotide variant.
Coding change: c.2099T>A on transcript NM_000059.4 (MANE Select); coding-DNA position 2099, T replaced by A.
Protein change: p.Leu700Ter; replaces leucine 700 with a stop codon.
Molecular consequence: nonsense.
Genome position (GRCh38, 1-based): chr13:32,336,454, T>A. VCF-style: chr13-32336454-T-A. GRCh37 (hg19) VCF-style: chr13-32910591-T-A.
Other names: short protein forms L700*.
Identifiers: ClinVar variation 449669 (VCV000449669.17), dbSNP rs1555282449, ClinGen allele CA387769896.
Genomic context (GRCh38, chr13:32,336,454, plus strand): 5'-CAGTAATCTCTCAGGATCTTGATTATAAAGAAGCAAAATGTAATAAGGAAAAACTACAGT[T>A]ATTTATTACCCCAGAAGCTGATTCTCTGTCATGCCTGCAGGAAGGACAGTGTGAAAATGA-3'